The following is an entry in ClinVar:

ClinVar aggregate classification (germline): Uncertain significance (1 of 4 stars; one submission).

Submission:

Labcorp Genetics (formerly Invitae), Labcorp
Classification: Uncertain significance. Last evaluated: 2023-05-07. Review status: criteria provided, single submitter. Criteria: Invitae Variant Classification Sherloc (09022015). Collection method: clinical testing. Allele origin: germline.
Comment: In summary, the available evidence is currently insufficient to determine the role of this variant in disease. Therefore, it has been classified as a Variant of Uncertain Significance. Algorithms developed to predict the effect of missense changes on protein structure and function output the following: SIFT: "Not Available"; PolyPhen-2: "Benign"; Align-GVGD: "Not Available". The glutamic acid amino acid residue is found in multiple mammalian species, which suggests that this missense change does not adversely affect protein function. This variant has not been reported in the literature in individuals affected with FBXW4-related conditions. This variant is not present in population databases (gnomAD no frequency). This sequence change replaces glutamine, which is neutral and polar, with glutamic acid, which is acidic and polar, at codon 410 of the FBXW4 protein (p.Gln410Glu).

NM_022039.4(FBXW4):c.1693C>G (p.Gln565Glu)

Gene: FBXW4 (F-box and WD repeat domain containing 4; minus strand). Cytogenetic location: 10q24.32.
Variant type: single nucleotide variant.
Coding change: c.1693C>G on transcript NM_022039.4 (MANE Select); coding-DNA position 1693, C replaced by G.
Protein change: p.Gln565Glu; replaces glutamine 565 with glutamic acid.
Molecular consequence: missense variant. On other transcripts: non-coding transcript variant (1).
Genome position (GRCh38, 1-based): chr10:101,611,302, G>C on the plus strand (C>G on the coding strand, the complement: FBXW4 is on the minus strand). VCF-style: chr10-101611302-G-C. GRCh37 (hg19) VCF-style: chr10-103371059-G-C.
Other names: c.967C>G, p.Gln323Glu (NM_001323541.2); short protein forms Q323E, Q565E.
Identifiers: ClinVar variation 2715532 (VCV002715532.3), dbSNP rs2063780083, ClinGen allele CA378239747.